The following is an entry in ClinVar:

ClinVar aggregate classification (germline): Uncertain significance (1 of 4 stars; one submission).

Submission:

GeneDx
Classification: Uncertain significance. Last evaluated: 2024-04-18. Review status: criteria provided, single submitter. Criteria: GeneDx Variant Classification Process June 2021. Collection method: clinical testing. Allele origin: germline. Affected: yes.
Comment: Not observed at significant frequency in large population cohorts (gnomAD); In silico analysis indicates that this variant does not alter protein structure/function; Has not been previously published as pathogenic or benign to our knowledge

NM_177433.3(MAGED2):c.251_252inv (p.Ser84Leu)

Gene: MAGED2 (MAGE family member D2; plus strand). Cytogenetic location: Xp11.21.
Variant type: Inversion.
Coding change: c.251_252inv on transcript NM_177433.3 (MANE Select).
Protein change: p.Ser84Leu; replaces serine 84 with leucine.
Molecular consequence: missense variant.
Genome position: GRCh38 VCF-style: chrX-54809927-CA-TG. GRCh37 (hg19) VCF-style: chrX-54836360-CA-TG.
Other names: c.251_252inv, p.Ser84Leu (NM_014599.6, NM_201222.3); c.251_252delinsTG (NM_177433.3); short protein forms S84L.
Identifiers: ClinVar variation 3372835 (VCV003372835.1).
Genomic context (GRCh38, chrX:54,809,927, plus strand): 5'-CAAAGGCCACAGAGGTCTCAAAGACCCCAGAGGCTCGGGAGGCACCTGCCACCCAGGCCT[CA>TG]TCTACTACTCAGCTGACTGATACCCAGGTTCTGGCAGCTGAAAACAAGAGTCTAGCAGCT-3'
Protein context (NP_803182.1, residues 74-94): EAREAPATQA[Ser84Leu]STTQLTDTQV